The following is an entry in ClinVar:

ClinVar aggregate classification (germline): Uncertain significance (1 of 4 stars; one submission).

Allele frequency attached by ClinVar (database versions not stated): gnomAD exomes below 0.00001; TOPMed below 0.00001.
gnomAD v4.1: 2 of 1,613,618 alleles (0.00012%); highest among the groups gnomAD compares: Non-Finnish European, 0.00017%; no homozygotes.

Submission:

Labcorp Genetics (formerly Invitae), Labcorp
Classification: Uncertain significance. Last evaluated: 2022-08-19. Review status: criteria provided, single submitter. Criteria: Invitae Variant Classification Sherloc (09022015). Collection method: clinical testing. Allele origin: germline.
Comment: This sequence change replaces proline, which is neutral and non-polar, with leucine, which is neutral and non-polar, at codon 11 of the SKIV2L protein (p.Pro11Leu). This variant is not present in population databases (gnomAD no frequency). This variant has not been reported in the literature in individuals affected with SKIV2L-related conditions. ClinVar contains an entry for this variant (Variation ID: 1380603). Algorithms developed to predict the effect of missense changes on protein structure and function are either unavailable or do not agree on the potential impact of this missense change (SIFT: "Tolerated"; PolyPhen-2: "Possibly Damaging"; Align-GVGD: "Class C0"). In summary, the available evidence is currently insufficient to determine the role of this variant in disease. Therefore, it has been classified as a Variant of Uncertain Significance.

NM_006929.5(SKIC2):c.32C>T (p.Pro11Leu)

Gene: SKIC2 (SKI2 subunit of superkiller complex; plus strand). Cytogenetic location: 6p21.33.
Variant type: single nucleotide variant.
Coding change: c.32C>T on transcript NM_006929.5 (MANE Select); coding-DNA position 32, C replaced by T.
Protein change: p.Pro11Leu; replaces proline 11 with leucine.
Molecular consequence: missense variant.
Genome position (GRCh38, 1-based): chr6:31,959,306, C>T. VCF-style: chr6-31959306-C-T. GRCh37 (hg19) VCF-style: chr6-31927083-C-T.
Other names: short protein forms P11L.
Identifiers: ClinVar variation 1380603 (VCV001380603.3), dbSNP rs1772327083, ClinGen allele CA363432414.